The following is an entry in ClinVar:

ClinVar aggregate classification (germline): Likely benign. Review status: criteria provided, multiple submitters, no conflicts (2 of 4 stars). 8 submissions from 8 submitters: Likely benign (6). 2 of the submissions do not count toward it. Last evaluated 2025-12-22.

Conditions:
Cardiovascular phenotype. Identifiers: MedGen CN230736.
Hypertrophic cardiomyopathy. Also called: HYPERTROPHIC MYOCARDIOPATHY. Identifiers: Orphanet 217569, MedGen C0007194, MeSH D002312, MONDO:0005045, HP:0001639.
Cardiomyopathy (CMYO). Also called: Cardiomyopathies. Identifiers: Orphanet 167848, MedGen C0878544, MONDO:0004994, HP:0001638. Inheritance: Various modes of inheritance.

Allele frequency attached by ClinVar (database versions not stated): gnomAD 0.00003.
gnomAD v4.1: 44 of 1,614,020 alleles (0.0027%); highest among the groups gnomAD compares: Non-Finnish European, 0.0033%; no homozygotes.

Submissions (8):

Labcorp Genetics (formerly Invitae), Labcorp
Classification: Likely benign for Hypertrophic cardiomyopathy. Last evaluated: 2025-12-22. Review status: criteria provided, single submitter. Criteria: Invitae Variant Classification Sherloc (09022015). Collection method: clinical testing. Allele origin: germline.

Blueprint Genetics
Classification: Likely benign. Last evaluated: 2024-10-02. Review status: criteria provided, single submitter. Criteria: ACMG Guidelines, 2015. Collection method: clinical testing. Allele origin: germline.

Ambry Genetics
Classification: Likely benign for Cardiovascular phenotype. Last evaluated: 2023-12-21. Review status: criteria provided, single submitter. Criteria: Ambry Variant Classification Scheme 2023. Collection method: clinical testing. Allele origin: germline.

All of Us Research Program, National Institutes of Health
Classification: Likely benign for Cardiomyopathy. Last evaluated: 2023-12-01. Review status: criteria provided, single submitter. Criteria: ACMG Guidelines, 2015. Collection method: clinical testing. Allele origin: germline. Inheritance: Autosomal dominant inheritance. Observed: 3 variant alleles, 3 heterozygotes.
Comment: This study involves interpretation of variants in research participants for the purpose of population health screening. Participant phenotype was not available at the time of variant classification. Additional details can be found in publication PMID: 35346344, PMCID: PMC8962531

Color Diagnostics, LLC DBA Color Health
Classification: Likely benign for Cardiomyopathy. Last evaluated: 2019-12-29. Review status: criteria provided, single submitter. Criteria: ACMG Guidelines, 2015. Collection method: clinical testing. Allele origin: germline.

GeneDx
Classification: Likely benign. Last evaluated: 2017-07-13. Review status: criteria provided, single submitter. Criteria: GeneDx Variant Classification (06012015). Collection method: clinical testing. Allele origin: germline. Affected: yes.
Comment: This variant is considered likely benign or benign based on one or more of the following criteria: it is a conservative change, it occurs at a poorly conserved position in the protein, it is predicted to be benign by multiple in silico algorithms, and/or has population frequency not consistent with disease.

Clinical Genetics, Academic Medical Center
Classification: Benign. Review status: no assertion criteria provided. Collection method: clinical testing. Allele origin: germline. Affected: yes. Study: VKGL Data-share Consensus. Not counted in ClinVar's aggregate classification.

Joint Genome Diagnostic Labs from Nijmegen and Maastricht, Radboudumc and MUMC+
Classification: Likely benign. Review status: no assertion criteria provided. Collection method: clinical testing. Allele origin: germline. Affected: yes. Study: VKGL Data-share Consensus. Not counted in ClinVar's aggregate classification.

NM_000257.4(MYH7):c.5070C>G (p.Ala1690=)

Genes: MHRT (myosin heavy chain associated RNA transcript; plus strand), MYH7 (myosin heavy chain 7; minus strand), LOC126861897 (BRD4-independent group 4 enhancer GRCh37_chr14:23884455-23885654; plus strand). Cytogenetic location: 14q11.2.
Variant type: single nucleotide variant.
Coding change: c.5070C>G on transcript NM_000257.4 (MANE Select); coding-DNA position 5070, C replaced by G.
Protein change: p.Ala1690=; no amino-acid change (alanine 1690 retained).
Molecular consequence: synonymous variant. On other transcripts: non-coding transcript variant (1).
Genome position (GRCh38, 1-based): chr14:23,415,716, G>C on the plus strand (C>G on the coding strand, the complement: MYH7 is on the minus strand). VCF-style: chr14-23415716-G-C. GRCh37 (hg19) VCF-style: chr14-23884925-G-C.
Other names: c.5070C>G (LRG_384t1).
Identifiers: ClinVar variation 510775 (VCV000510775.18), dbSNP rs764844610, ClinGen allele CA045202.
Genomic context (GRCh38, chr14:23,415,716, plus strand): 5'-ACTAGTCTCAATCAGCTCCTGCTCCGCCAGCTTCCGGGACCGCTCTGTCTGCTCCACCAC[G>C]GCACGCAACTCCTCCAGCTCAGCCTGCAGCAGGTTGTTGCGCCGCTCCACGATGGCGATG-3'
Protein context (NP_000248.2, residues 1680-1700): LLQAELEELR[Ala1690=]VVEQTERSRK